The following is an entry in ClinVar:

NM_000038.6(APC):c.4099del (p.Gln1367fs)

Gene: APC (APC regulator of Wnt signaling pathway; plus strand). Cytogenetic location: 5q22.2.
Variant type: Deletion.
Coding change: c.4099del on transcript NM_000038.6 (MANE Select); coding-DNA position 4099, one base deleted (C; older notation c.4099delC).
Protein change: p.Gln1367fs; shifts the reading frame from glutamine 1367.
Molecular consequence: frameshift variant. On other transcripts: non-coding transcript variant (2).
Genome position (GRCh38, 1-based): chr5:112,839,693, C deleted. VCF-style (leftmost placement, unchanged base first): chr5-112839692-TC-T. GRCh37 (hg19) VCF-style: chr5-112175389-TC-T.
Other names: c.4153del, p.Gln1385fs (NM_001407448.1, NM_001407449.1, NM_001354896.2 and 1 more transcripts); c.4099del, p.Gln1367fs (NM_001407450.1, NM_001127510.3, NM_001354895.2); c.4078del, p.Gln1360fs (NM_001407451.1); c.4069del, p.Gln1357fs (NM_001407452.1); c.3922del, p.Gln1308fs (NM_001407453.1, NM_001354901.2); c.3850del, p.Gln1284fs (NM_001407454.1, NM_001407455.1, NM_001407456.1 and 1 more transcripts); c.3796del, p.Gln1266fs (NM_001407458.1, NM_001407459.1, NM_001407460.1 and 1 more transcripts); c.3712del, p.Gln1238fs (NM_001407467.1, NM_001407469.1); and 11 more; short protein forms Q1084fs, Q1207fs, Q1238fs, Q1241fs, Q1266fs, Q1276fs, Q1284fs, Q1308fs.
Identifiers: ClinVar variation 2584038 (VCV002584038.2), dbSNP rs2533548323, ClinGen allele CA2582341553.

ClinVar aggregate classification (germline): Pathogenic (1 of 4 stars; one submission).

Conditions:
Familial adenomatous polyposis 1 (FAP1). Also called: FAMILIAL ADENOMATOUS POLYPOSIS 1, ATTENUATED; POLYPOSIS, ADENOMATOUS INTESTINAL. Identifiers: MedGen C2713442, MONDO:0021056, OMIM 175100. Disease mechanism: loss of function.

Submission:

Myriad Genetics, Inc.
Classification: Pathogenic for Familial adenomatous polyposis 1. Last evaluated: 2023-05-10. Review status: criteria provided, single submitter. Criteria: Myriad Autosomal Dominant, Autosomal Recessive and X-Linked Classification Criteria (2023). Collection method: clinical testing. Allele origin: unknown.
Comment: This variant is considered pathogenic. This variant creates a frameshift predicted to result in premature protein truncation.